The following is an entry in ClinVar:

ClinVar aggregate classification (germline): Conflicting classifications of pathogenicity. Review status: criteria provided, conflicting classifications (1 of 4 stars). 3 submissions from 3 submitters: Uncertain significance (2); Likely benign (1). Last evaluated 2025-12-20.

Conditions:
Hereditary cancer-predisposing syndrome. Also called: Tumor predisposition; Neoplastic Syndromes, Hereditary; Hereditary Cancer Syndrome; Hereditary neoplastic syndrome. Identifiers: Orphanet 140162, MedGen C0027672, MeSH D009386, MONDO:0015356.
Hereditary breast ovarian cancer syndrome. Also called: Breast and ovarian cancer; Hereditary breast and/or ovarian cancer syndrome; BRCA1- and BRCA2-Associated Hereditary Breast and Ovarian Cancer; Hereditary breast and ovarian cancer syndrome; Hereditary breast and ovarian cancer; Hereditary breast and ovarian cancer syndrome (HBOC). Identifiers: Orphanet 145, MedGen C0677776, MeSH D061325, MONDO:0003582. Disease mechanism: loss of function.

Submissions (3):

Labcorp Genetics (formerly Invitae), Labcorp
Classification: Uncertain significance for Hereditary breast ovarian cancer syndrome. Last evaluated: 2025-12-20. Review status: criteria provided, single submitter. Criteria: Invitae Variant Classification Sherloc (09022015). Collection method: clinical testing. Allele origin: germline.
Comment: This sequence change replaces lysine, which is basic and polar, with threonine, which is neutral and polar, at codon 1028 of the BRCA2 protein (p.Lys1028Thr). This variant is not present in population databases (gnomAD no frequency). This variant has not been reported in the literature in individuals affected with BRCA2-related conditions. ClinVar contains an entry for this variant (Variation ID: 1727384). Invitae Evidence Modeling of protein sequence and biophysical properties (such as structural, functional, and spatial information, amino acid conservation, physicochemical variation, residue mobility, and thermodynamic stability) indicates that this missense variant is not expected to disrupt BRCA2 protein function with a negative predictive value of 95%. In summary, the available evidence is currently insufficient to determine the role of this variant in disease. Therefore, it has been classified as a Variant of Uncertain Significance.

Ambry Genetics
Classification: Uncertain significance for Hereditary cancer-predisposing syndrome. Last evaluated: 2024-05-20. Review status: criteria provided, single submitter. Criteria: Ambry Variant Classification Scheme 2023. Collection method: clinical testing. Allele origin: germline.
Comment: The p.K1028T variant (also known as c.3083A>C), located in coding exon 10 of the BRCA2 gene, results from an A to C substitution at nucleotide position 3083. The lysine at codon 1028 is replaced by threonine, an amino acid with similar properties. This amino acid position is conserved. In addition, the in silico prediction for this alteration is inconclusive. Since supporting evidence is limited at this time, the clinical significance of this alteration remains unclear.

University of Washington Department of Laboratory Medicine, University of Washington
Classification: Likely benign for Hereditary cancer-predisposing syndrome. Last evaluated: 2023-03-23. Review status: criteria provided, single submitter. Criteria: Dines et al. (Genet Med. 2020). Collection method: curation. Allele origin: germline.
Comment: Missense variant in a coldspot region where missense variants are very unlikely to be pathogenic (PMID:31911673).

BRCA2 exon 11 coldspot. Reclassification based on statistical prior probability.

NM_000059.4(BRCA2):c.3083A>C (p.Lys1028Thr)

Gene: BRCA2 (BRCA2 DNA repair associated; plus strand). Cytogenetic location: 13q13.1.
Variant type: single nucleotide variant.
Coding change: c.3083A>C on transcript NM_000059.4 (MANE Select); coding-DNA position 3083, A replaced by C.
Protein change: p.Lys1028Thr; replaces lysine 1028 with threonine.
Molecular consequence: missense variant.
Genome position (GRCh38, 1-based): chr13:32,337,438, A>C. VCF-style: chr13-32337438-A-C. GRCh37 (hg19) VCF-style: chr13-32911575-A-C.
Other names: c.3083A>C, p.Lys1028Thr (NM_001406719.1, NM_001406720.1); short protein forms K1028T.
Identifiers: ClinVar variation 1727384 (VCV001727384.7), dbSNP rs730881519, ClinGen allele CA387775229.